The following is an entry in ClinVar:

ClinVar aggregate classification (germline): Uncertain significance (1 of 4 stars; one submission).

Submission:

Labcorp Genetics (formerly Invitae), Labcorp
Classification: Uncertain significance. Last evaluated: 2025-08-11. Review status: criteria provided, single submitter. Criteria: Invitae Variant Classification Sherloc (09022015). Collection method: clinical testing. Allele origin: germline.
Comment: This sequence change replaces alanine, which is neutral and non-polar, with glycine, which is neutral and non-polar, at codon 256 of the GSN protein (p.Ala256Gly). This variant is not present in population databases (gnomAD no frequency). This variant has not been reported in the literature in individuals affected with GSN-related conditions. Invitae Evidence Modeling of protein sequence and biophysical properties (such as structural, functional, and spatial information, amino acid conservation, physicochemical variation, residue mobility, and thermodynamic stability) indicates that this missense variant is not expected to disrupt GSN protein function with a negative predictive value of 80%. In summary, the available evidence is currently insufficient to determine the role of this variant in disease. Therefore, it has been classified as a Variant of Uncertain Significance.

NM_198252.3(GSN):c.614C>G (p.Ala205Gly)

Gene: GSN (gelsolin; plus strand). Cytogenetic location: 9q33.2.
Variant type: single nucleotide variant.
Coding change: c.614C>G on transcript NM_198252.3 (MANE Select); coding-DNA position 614, C replaced by G.
Protein change: p.Ala205Gly; replaces alanine 205 with glycine.
Molecular consequence: missense variant. On other transcripts: 5 prime UTR variant (1).
Genome position (GRCh38, 1-based): chr9:121,312,439, C>G. VCF-style: chr9-121312439-C-G. GRCh37 (hg19) VCF-style: chr9-124074717-C-G.
Other names: c.767C>G, p.Ala256Gly (NM_000177.5); c.614C>G, p.Ala205Gly (NM_001127662.2, NM_001127664.2, NM_001127665.2 and 10 more transcripts); c.722C>G, p.Ala241Gly (NM_001127663.2); c.647C>G, p.Ala216Gly (NM_001127666.2, NM_001127667.2, NM_001353063.2 and 13 more transcripts); c.665C>G, p.Ala222Gly (NM_001258029.2); c.638C>G, p.Ala213Gly (NM_001258030.2); c.686C>G, p.Ala229Gly (NM_001353076.2); c.-41C>G (NM_001353078.2); short protein forms A222G, A256G, A216G, A241G, A213G, A229G, A205G.
Identifiers: ClinVar variation 4743813 (VCV004743813.1).